The following is an entry in ClinVar:

NM_000330.4(RS1):c.178_181del (p.Ile60fs)

Gene: RS1 (retinoschisin 1; minus strand). Cytogenetic location: Xp22.13.
Variant type: Deletion.
Coding change: c.178_181del on transcript NM_000330.4 (MANE Select); coding-DNA positions 178 to 181, 4 bases deleted (ATAC; older notation c.178_181delATAC).
Protein change: p.Ile60fs; shifts the reading frame from isoleucine 60.
Molecular consequence: frameshift variant.
Genome position (GRCh38, 1-based): chrX:18,656,656-18,656,659, GTAT deleted on the plus strand (ATAC on the coding strand, the reverse complement: RS1 is on the minus strand). VCF-style (leftmost placement, unchanged base first): chrX-18656655-GGTAT-G. GRCh37 (hg19) VCF-style: chrX-18674775-GGTAT-G.
Other names: short protein forms I60fs.
Identifiers: ClinVar variation 1433834 (VCV001433834.6), dbSNP rs2147203052, ClinGen allele CA2573158479.

ClinVar aggregate classification (germline): Pathogenic (1 of 4 stars; one submission).

Submission:

Labcorp Genetics (formerly Invitae), Labcorp
Classification: Pathogenic. Last evaluated: 2023-07-14. Review status: criteria provided, single submitter. Criteria: Invitae Variant Classification Sherloc (09022015). Collection method: clinical testing. Allele origin: germline.
Comment: For these reasons, this variant has been classified as Pathogenic. ClinVar contains an entry for this variant (Variation ID: 1433834). This variant has not been reported in the literature in individuals affected with RS1-related conditions. This variant is not present in population databases (gnomAD no frequency). This sequence change creates a premature translational stop signal (p.Ile60Glnfs*65) in the RS1 gene. It is expected to result in an absent or disrupted protein product. Loss-of-function variants in RS1 are known to be pathogenic (PMID: 9618178, 17172462).

Literature cited by the submitters: PubMed 9618178; PubMed 17172462.